The following is an entry in ClinVar:

ClinVar aggregate classification (germline): Pathogenic (1 of 4 stars; one submission).

Conditions:
Acrocallosal syndrome (ACLS). Also called: HALLUX DUPLICATION, POSTAXIAL POLYDACTYLY, AND ABSENCE OF CORPUS CALLOSUM; Schinzel syndrome 1; Absence of corpus callosum with unusual facial appearance, mental deficiency, duplication of the halluces and polydactyly. Identifiers: Orphanet 36, MedGen C0796147, MONDO:0008708, OMIM 200990.

gnomAD v4.1: 8 of 1,392,022 alleles (0.00057%); highest among the groups gnomAD compares: Non-Finnish European, 0.00065%; no homozygotes.

Submission:

Labcorp Genetics (formerly Invitae), Labcorp
Classification: Pathogenic for Acrocallosal syndrome. Last evaluated: 2024-08-21. Review status: criteria provided, single submitter. Criteria: Invitae Variant Classification Sherloc (09022015). Collection method: clinical testing. Allele origin: germline.
Comment: This sequence change creates a premature translational stop signal (p.Cys445*) in the KIF7 gene. It is expected to result in an absent or disrupted protein product. Loss-of-function variants in KIF7 are known to be pathogenic (PMID: 19666503, 21552264, 21633164, 26648833). This variant is not present in population databases (gnomAD no frequency). This variant has not been reported in the literature in individuals affected with KIF7-related conditions. For these reasons, this variant has been classified as Pathogenic.

Literature cited by the submitters: PubMed 19666503; PubMed 21552264; PubMed 21633164; PubMed 26648833.

NM_198525.3(KIF7):c.1335C>A (p.Cys445Ter)

Gene: KIF7 (kinesin family member 7; minus strand). Cytogenetic location: 15q26.1.
Variant type: single nucleotide variant.
Coding change: c.1335C>A on transcript NM_198525.3 (MANE Select); coding-DNA position 1335, C replaced by A.
Protein change: p.Cys445Ter; replaces cysteine 445 with a stop codon.
Molecular consequence: nonsense.
Genome position (GRCh38, 1-based): chr15:89,648,363, G>T on the plus strand (C>A on the coding strand, the complement: KIF7 is on the minus strand). VCF-style: chr15-89648363-G-T. GRCh37 (hg19) VCF-style: chr15-90191594-G-T.
Other names: short protein forms C445*.
Identifiers: ClinVar variation 3614255 (VCV003614255.2).